The following is an entry in ClinVar:

ClinVar aggregate classification (germline): Uncertain significance (1 of 4 stars; one submission).

Conditions:
Familial thoracic aortic aneurysm and aortic dissection (TAAD). Also called: Thoracic aortic aneurysms and dissections. Identifiers: Orphanet 91387, MedGen C4707243, MONDO:0019625.

Submission:

Ambry Genetics
Classification: Uncertain significance for Familial thoracic aortic aneurysm and aortic dissection. Last evaluated: 2025-05-26. Review status: criteria provided, single submitter. Criteria: Ambry Variant Classification Scheme 2023. Collection method: clinical testing. Allele origin: germline.
Comment: The p.G1829D variant (also known as c.5486G>A), located in coding exon 44 of the FBN1 gene, results from a G to A substitution at nucleotide position 5486. The glycine at codon 1829 is replaced by aspartic acid, an amino acid with similar properties. This variant was reported in individual(s) with features consistent with Marfan syndrome (Ambry internal data). This variant alters a critical glycine in a sterically constrained region and is expected to disrupt FBN1 function (Van Kien PK et al. Hum Mutat. 2010;31(1):E1021-42). This amino acid position is highly conserved in available vertebrate species. In addition, this alteration is predicted to be deleterious by in silico analysis. Based on the available evidence, the clinical significance of this variant remains unclear.

NM_000138.5(FBN1):c.5486G>A (p.Gly1829Asp)

Gene: FBN1 (fibrillin 1; minus strand). Cytogenetic location: 15q21.1.
Variant type: single nucleotide variant.
Coding change: c.5486G>A on transcript NM_000138.5 (MANE Select); coding-DNA position 5486, G replaced by A.
Protein change: p.Gly1829Asp; replaces glycine 1829 with aspartic acid.
Molecular consequence: missense variant.
Genome position (GRCh38, 1-based): chr15:48,452,621, C>T on the plus strand (G>A on the coding strand, the complement: FBN1 is on the minus strand). VCF-style: chr15-48452621-C-T. GRCh37 (hg19) VCF-style: chr15-48744818-C-T.
Other names: c.5486G>A, p.Gly1829Asp (NM_001406716.1); short protein forms G1829D.
Identifiers: ClinVar variation 4023431 (VCV004023431.1).